The following is an entry in ClinVar:

NM_007325.5(GRIA3):c.2269G>A (p.Gly757Arg)

Gene: GRIA3 (glutamate ionotropic receptor AMPA type subunit 3; plus strand). Cytogenetic location: Xq25.
Variant type: single nucleotide variant.
Coding change: c.2269G>A on transcript NM_007325.5 (MANE Select); coding-DNA position 2269, G replaced by A.
Protein change: p.Gly757Arg; replaces glycine 757 with arginine.
Molecular consequence: missense variant.
Genome position (GRCh38, 1-based): chrX:123,465,057, G>A. VCF-style: chrX-123465057-G-A. GRCh37 (hg19) VCF-style: chrX-122598908-G-A.
Other names: c.2269G>A, p.Gly757Arg (NM_000828.5); short protein forms G757R.
Identifiers: ClinVar variation 4884736 (VCV004884736.1).
Genomic context (GRCh38, chrX:123,465,057, plus strand): 5'-GAGTCAACCATGAATGAGTACATTGAGCAGAGAAAACCATGTGATACGATGAAAGTTGGT[G>A]GAAATCTGGATTCCAAAGGCTATGGTGTGGCAACCCCTAAAGGCTCAGCATTAAGGTGGG-3'
Protein context (NP_015564.5, residues 747-767): RKPCDTMKVG[Gly757Arg]NLDSKGYGVA

ClinVar aggregate classification (germline): Uncertain significance (0 of 4 stars; one submission).

Conditions:
Syndromic X-linked intellectual disability 94 (MRXSW). Also called: X-linked intellectual disability due to GRIA3 anomalies; MENTAL RETARDATION, X-LINKED, SYNDROMIC 29. Identifiers: Orphanet 364028, MedGen C2678051, MONDO:0010402, OMIM 300699.

Submission:

Department of Rehabilitation, Children's Hospital of Nanjing Medical University
Classification: Uncertain significance for Syndromic X-linked intellectual disability 94. Last evaluated: 2024-04-16. Review status: no assertion criteria provided. Collection method: clinical testing. Allele origin: germline. Affected: yes.
Comment: PM1, PM2_Supporting, PP2, PP3